The following is an entry in ClinVar:

ClinVar aggregate classification (germline): Uncertain significance (1 of 4 stars; one submission).

Submission:

Labcorp Genetics (formerly Invitae), Labcorp
Classification: Uncertain significance. Last evaluated: 2024-03-17. Review status: criteria provided, single submitter. Criteria: Invitae Variant Classification Sherloc (09022015). Collection method: clinical testing. Allele origin: germline.
Comment: This sequence change falls in intron 5 of the LMBR1 gene. It does not directly change the encoded amino acid sequence of the LMBR1 protein. This variant is not present in population databases (gnomAD no frequency). This variant has not been reported in the literature in individuals affected with LMBR1-related conditions. Studies have shown that this variant affects the ZPA regulatory sequence (ZRS) within intron 5 of the LMBR1 gene, which regulates the expression of certain genes that are important for limb development (PMID: 29651423). In summary, the available evidence is currently insufficient to determine the role of this variant in disease. Therefore, it has been classified as a Variant of Uncertain Significance.

Literature cited by the submitters: PubMed 29651423.

NM_022458.4(LMBR1):c.423+5072A>G

Genes: LMBR1 (limb development membrane protein 1; minus strand), ZRS (ZPA regulatory sequence; plus strand). Cytogenetic location: 7q36.3.
Variant type: single nucleotide variant.
Coding change: c.423+5072A>G on transcript NM_022458.4 (MANE Select); 5072 bases into the intron after coding-DNA position 423, A replaced by G.
Molecular consequence: intron variant.
Genome position (GRCh38, 1-based): chr7:156,791,317, T>C on the plus strand (A>G on the coding strand, the complement: LMBR1 is on the minus strand). VCF-style: chr7-156791317-T-C. GRCh37 (hg19) VCF-style: chr7-156584011-T-C.
Other names: c.360+5072A>G (NM_001363412.2); c.144+5072A>G (NM_001350954.2); c.423+5072A>G (NM_001363410.2, NM_001363409.2, NM_001350953.2); c.-112+5072A>G (NM_001350958.2, NM_001350956.2, NM_001350955.2 and 1 more transcripts); c.54+5072A>G (NM_001350957.2, NM_001363411.2).
Identifiers: ClinVar variation 1628003 (VCV001628003.8), dbSNP rs2133319260, ClinGen allele CA2573141875.